The following is an entry in ClinVar:

NM_018979.4(WNK1):c.1361A>C (p.Glu454Ala)

Gene: WNK1 (WNK lysine deficient protein kinase 1; plus strand). Cytogenetic location: 12p13.33.
Variant type: single nucleotide variant.
Coding change: c.1361A>C on transcript NM_018979.4 (MANE Select); coding-DNA position 1361, A replaced by C.
Protein change: p.Glu454Ala; replaces glutamic acid 454 with alanine.
Molecular consequence: missense variant.
Genome position (GRCh38, 1-based): chr12:857,210, A>C. VCF-style: chr12-857210-A-C. GRCh37 (hg19) VCF-style: chr12-966376-A-C.
Other names: c.1361A>C, p.Glu454Ala (NM_001184985.2, NM_014823.3, NM_213655.5); short protein forms E454A.
Identifiers: ClinVar variation 3753824 (VCV003753824.2).

ClinVar aggregate classification (germline): Uncertain significance (1 of 4 stars; one submission).

Conditions:
Neuropathy, hereditary sensory and autonomic, type 2A (HSAN2A). Also called: ACROOSTEOLYSIS, GIACCAI TYPE; ACROOSTEOLYSIS, NEUROGENIC; MORVAN DISEASE; NEUROPATHY, CONGENITAL SENSORY; NEUROPATHY, HEREDITARY SENSORY RADICULAR, AUTOSOMAL RECESSIVE; NEUROPATHY, HEREDITARY SENSORY, TYPE IIA. Identifiers: Orphanet 970, MedGen C2752089, MONDO:0024309, OMIM 201300.
Pseudohypoaldosteronism type 2C (PHA2C). Also called: Pseudohypoaldosteronism Type IIC. Identifiers: Orphanet 757, Orphanet 88940, MedGen C1840391, MONDO:0013778, OMIM 614492.

Submission:

Labcorp Genetics (formerly Invitae), Labcorp
Classification: Uncertain significance for Neuropathy, hereditary sensory and autonomic, type 2A; Pseudohypoaldosteronism type 2C. Last evaluated: 2024-05-05. Review status: criteria provided, single submitter. Criteria: Invitae Variant Classification Sherloc (09022015). Collection method: clinical testing. Allele origin: germline.
Comment: This sequence change replaces glutamic acid, which is acidic and polar, with alanine, which is neutral and non-polar, at codon 454 of the WNK1 protein (p.Glu454Ala). This variant is not present in population databases (gnomAD no frequency). This variant has not been reported in the literature in individuals affected with WNK1-related conditions. Advanced modeling of protein sequence and biophysical properties (such as structural, functional, and spatial information, amino acid conservation, physicochemical variation, residue mobility, and thermodynamic stability) performed at Invitae indicates that this missense variant is not expected to disrupt WNK1 protein function with a negative predictive value of 95%. In summary, the available evidence is currently insufficient to determine the role of this variant in disease. Therefore, it has been classified as a Variant of Uncertain Significance.